The following is an entry in ClinVar:

NM_007315.4(STAT1):c.172C>T (p.His58Tyr)

Gene: STAT1 (signal transducer and activator of transcription 1; minus strand). Cytogenetic location: 2q32.2.
Variant type: single nucleotide variant.
Coding change: c.172C>T on transcript NM_007315.4 (MANE Select); coding-DNA position 172, C replaced by T.
Protein change: p.His58Tyr; replaces histidine 58 with tyrosine.
Molecular consequence: missense variant.
Genome position (GRCh38, 1-based): chr2:191,009,064, G>A on the plus strand (C>T on the coding strand, the complement: STAT1 is on the minus strand). VCF-style: chr2-191009064-G-A. GRCh37 (hg19) VCF-style: chr2-191873790-G-A.
Other names: c.172C>T, p.His58Tyr (NM_001384880.1, NM_001384882.1, NM_001384883.1 and 7 more transcripts); c.178C>T, p.His60Tyr (NM_001384881.1, NM_001384884.1); c.208C>T, p.His70Tyr (NM_001384891.1); short protein forms H60Y, H58Y, H70Y.
Identifiers: ClinVar variation 1465058 (VCV001465058.6), dbSNP rs751586208, ClinGen allele CA2030311.

ClinVar aggregate classification (germline): Uncertain significance (1 of 4 stars; one submission).

Conditions:
Mendelian susceptibility to mycobacterial diseases due to partial STAT1 deficiency. Also called: IMMUNODEFICIENCY 31A, MYCOBACTERIOSIS, AUTOSOMAL DOMINANT; STAT1 DEFICIENCY, AUTOSOMAL DOMINANT; Immunodeficiency 31a. Identifiers: Orphanet 319595, MedGen C4013950, MONDO:0013956, OMIM 614892.
Immunodeficiency 31B. Also called: STAT1 DEFICIENCY, AUTOSOMAL RECESSIVE; IMMUNODEFICIENCY 31B, MYCOBACTERIAL AND VIRAL INFECTIONS, AUTOSOMAL RECESSIVE. Identifiers: Orphanet 391311, MedGen C3151088, MONDO:0013427, OMIM 613796.
Autoimmune enteropathy and endocrinopathy - susceptibility to chronic infections syndrome. Also called: Immunodeficiency 31C, autosomal dominant; Immunodeficiency 31C. Identifiers: Orphanet 391487, MedGen C3279990, MONDO:0013599, OMIM 614162.

Allele frequency attached by ClinVar (database versions not stated): gnomAD exomes 0.00001 and 0.00002; ExAC 0.00004; gnomAD 0.00004 and 0.00005; TOPMed 0.00005.
gnomAD v4.1: 9 of 1,614,006 alleles (0.00056%); highest among the groups gnomAD compares: African/African-American, 0.012%; no homozygotes.

Submission:

Labcorp Genetics (formerly Invitae), Labcorp
Classification: Uncertain significance for Mendelian susceptibility to mycobacterial diseases due to partial STAT1 deficiency; Immunodeficiency 31B; Autoimmune enteropathy and endocrinopathy - susceptibility to chronic infections syndrome. Last evaluated: 2022-07-05. Review status: criteria provided, single submitter. Criteria: Invitae Variant Classification Sherloc (09022015). Collection method: clinical testing. Allele origin: germline.
Comment: This sequence change replaces histidine, which is basic and polar, with tyrosine, which is neutral and polar, at codon 58 of the STAT1 protein (p.His58Tyr). This variant is present in population databases (rs751586208, gnomAD 0.03%). This variant has not been reported in the literature in individuals affected with STAT1-related conditions. ClinVar contains an entry for this variant (Variation ID: 1465058). Algorithms developed to predict the effect of missense changes on protein structure and function are either unavailable or do not agree on the potential impact of this missense change (SIFT: "Deleterious"; PolyPhen-2: "Benign"; Align-GVGD: "Class C0"). In summary, the available evidence is currently insufficient to determine the role of this variant in disease. Therefore, it has been classified as a Variant of Uncertain Significance.